The following is an entry in ClinVar:

NM_001009999.3(KDM1A):c.2516T>C (p.Leu839Pro)

Gene: KDM1A (lysine demethylase 1A; plus strand). Cytogenetic location: 1p36.12.
Variant type: single nucleotide variant.
Coding change: c.2516T>C on transcript NM_001009999.3 (MANE Select); coding-DNA position 2516, T replaced by C.
Protein change: p.Leu839Pro; replaces leucine 839 with proline.
Molecular consequence: missense variant. On other transcripts: 3 prime UTR variant (1).
Genome position (GRCh38, 1-based): chr1:23,083,249, T>C. VCF-style: chr1-23083249-T-C. GRCh37 (hg19) VCF-style: chr1-23409742-T-C.
Other names: c.2462T>C, p.Leu821Pro (NM_001363654.2); c.2522T>C, p.Leu841Pro (NM_001410762.1); c.*764T>C (NM_001410763.1); c.2444T>C, p.Leu815Pro (NM_015013.4); short protein forms L821P, L841P, L815P, L839P.
Identifiers: ClinVar variation 4622663 (VCV004622663.2).

ClinVar aggregate classification (germline): Uncertain significance. Review status: criteria provided, multiple submitters, no conflicts (2 of 4 stars). 2 submissions from 2 submitters: Uncertain significance (2). Last evaluated 2025-10-03.

Conditions:
Inborn genetic diseases. Identifiers: MedGen C0950123, MeSH D030342.

Submissions (2):

Ambry Genetics
Classification: Uncertain significance for Inborn genetic diseases. Last evaluated: 2025-10-03. Review status: criteria provided, single submitter. Criteria: Ambry Variant Classification Scheme 2023. Collection method: clinical testing. Allele origin: germline.
Comment: The p.L839P variant (also known as c.2516T>C), located in coding exon 21 of the KDM1A gene, results from a T to C substitution at nucleotide position 2516. The leucine at codon 839 is replaced by proline, an amino acid with similar properties. This amino acid position is conserved. In addition, this alteration is predicted to be deleterious by in silico analysis. Based on the available evidence, the clinical significance of this variant remains unclear.

Blueprint Genetics
Classification: Uncertain significance. Last evaluated: 2021-04-08. Review status: criteria provided, single submitter. Criteria: ACMG Guidelines, 2015. Collection method: clinical testing. Allele origin: germline.